The following is an entry in ClinVar:

NM_003070.5(SMARCA2):c.1758G>C (p.Glu586Asp)

Gene: SMARCA2 (SWI/SNF related BAF chromatin remodeling complex subunit ATPase 2; plus strand). Cytogenetic location: 9p24.3.
Variant type: single nucleotide variant.
Coding change: c.1758G>C on transcript NM_003070.5 (MANE Select); coding-DNA position 1758, G replaced by C.
Protein change: p.Glu586Asp; replaces glutamic acid 586 with aspartic acid.
Molecular consequence: missense variant.
Genome position (GRCh38, 1-based): chr9:2,073,223, G>C. VCF-style: chr9-2073223-G-C. GRCh37 (hg19) VCF-style: chr9-2073223-G-C.
Other names: c.1758G>C (NM_003070.4); c.1758G>C, p.Glu586Asp (NM_001289396.2, NM_001289397.2, NM_139045.4); short protein forms E586D.
Identifiers: ClinVar variation 2659032 (VCV002659032.23), dbSNP rs2537309838, ClinGen allele CA372782932.

ClinVar aggregate classification (germline): Uncertain significance. Review status: criteria provided, single submitter (1 of 4 stars). 2 submissions from 2 submitters: Uncertain significance (1). 1 of the submissions does not count toward it. Last evaluated 2023-10-01.

Conditions:
SMARCA2-related disorder. Also called: SMARCA2-related condition.

gnomAD v4.1: 1 of 1,614,162 alleles (0.000062%); highest among the groups gnomAD compares: South Asian, 0.0011%; no homozygotes.

Submissions (2):

CeGaT Center for Human Genetics Tuebingen
Classification: Uncertain significance. Last evaluated: 2023-10-01. Review status: criteria provided, single submitter. Criteria: CeGaT Center For Human Genetics Tuebingen Variant Classification Criteria Version 2. Collection method: clinical testing. Allele origin: germline. Affected: yes. Observed: 1 variant allele.
Comment: SMARCA2: PM2, PP2

PreventionGenetics, part of Exact Sciences
Classification: Uncertain significance for SMARCA2-related condition. Last evaluated: 2024-09-18. Review status: no assertion criteria provided. Collection method: clinical testing. Allele origin: germline. Not counted in ClinVar's aggregate classification.
Comment: The SMARCA2 c.1758G>C variant is predicted to result in the amino acid substitution p.Glu586Asp. To our knowledge, this variant has not been reported in the literature or in a large population database, indicating this variant is rare. Although we suspect that this variant may be benign, at this time, the clinical significance of this variant is uncertain due to the absence of conclusive functional and genetic evidence.